The following is an entry in ClinVar:

NM_001122752.2(SERPINI1):c.218G>A (p.Arg73His)

Gene: SERPINI1 (serpin family I member 1; plus strand). Cytogenetic location: 3q26.1.
Variant type: single nucleotide variant.
Coding change: c.218G>A on transcript NM_001122752.2 (MANE Select); coding-DNA position 218, G replaced by A.
Protein change: p.Arg73His; replaces arginine 73 with histidine.
Molecular consequence: missense variant.
Genome position (GRCh38, 1-based): chr3:167,789,346, G>A. VCF-style: chr3-167789346-G-A. GRCh37 (hg19) VCF-style: chr3-167507134-G-A.
Other names: c.218G>A, p.Arg73His (NM_005025.5); short protein forms R73H.
Identifiers: ClinVar variation 344123 (VCV000344123.18), dbSNP rs139808176, ClinGen allele CA2694749.

ClinVar aggregate classification (germline): Benign/Likely benign. Review status: criteria provided, multiple submitters, no conflicts (2 of 4 stars). 4 submissions from 4 submitters: Benign (2); Likely benign (1). 1 of the submissions does not count toward it. Last evaluated 2025-10-08.

Conditions:
SERPINI1-related disorder. Also called: SERPINI1-related condition.
Familial encephalopathy with neuroserpin inclusion bodies. Also called: ENCEPHALOPATHY, FAMILIAL, WITH COLLINS BODIES. Identifiers: Orphanet 85110, MedGen C1858680, MONDO:0011412, OMIM 604218.

Allele frequency attached by ClinVar (database versions not stated): ESP Exome Variant Server 0.00008; TOPMed 0.00016; gnomAD exomes 0.00063; ExAC 0.00074; 1000 Genomes Project 30x 0.00094; 1000 Genomes Project 0.00100.
gnomAD v4.1: 630 of 1,614,104 alleles (0.039%); highest among the groups gnomAD compares: South Asian, 0.51%; 4 homozygotes.

Submissions (4):

Labcorp Genetics (formerly Invitae), Labcorp
Classification: Benign for Familial encephalopathy with neuroserpin inclusion bodies. Last evaluated: 2025-10-08. Review status: criteria provided, single submitter. Criteria: Invitae Variant Classification Sherloc (09022015). Collection method: clinical testing. Allele origin: germline.

Blueprint Genetics
Classification: Likely benign. Last evaluated: 2024-10-23. Review status: criteria provided, single submitter. Criteria: ACMG Guidelines, 2015. Collection method: clinical testing. Allele origin: germline.

Illumina Laboratory Services, Illumina
Classification: Benign for Familial encephalopathy with neuroserpin inclusion bodies. Last evaluated: 2018-01-13. Review status: criteria provided, single submitter. Criteria: ICSL Variant Classification Criteria 13 December 2019. Collection method: clinical testing. Allele origin: germline.
Comment: This variant was observed in the ICSL laboratory as part of a predisposition screen in an ostensibly healthy population. It had not been previously curated by ICSL or reported in the Human Gene Mutation Database (HGMD: prior to June 1st, 2018), and was therefore a candidate for classification through an automated scoring system. Utilizing variant allele frequency, disease prevalence and penetrance estimates, and inheritance mode, an automated score was calculated to assess if this variant is too frequent to cause the disease. Based on the score and internal cut-off values, a variant classified as benign is not then subjected to further curation. The score for this variant resulted in a classification of benign for this disease.

PreventionGenetics, part of Exact Sciences
Classification: Likely benign for SERPINI1-related condition. Last evaluated: 2019-02-24. Review status: no assertion criteria provided. Collection method: clinical testing. Allele origin: germline. Not counted in ClinVar's aggregate classification.
Comment: This variant is classified as likely benign based on ACMG/AMP sequence variant interpretation guidelines (Richards et al. 2015 PMID: 25741868, with internal and published modifications).